The following is an entry in ClinVar:

NM_000256.3(MYBPC3):c.2906-9T>C

Gene: MYBPC3 (myosin binding protein C3; minus strand). Cytogenetic location: 11p11.2.
Variant type: single nucleotide variant.
Coding change: c.2906-9T>C on transcript NM_000256.3 (MANE Select); 9 bases into the intron before coding-DNA position 2906, T replaced by C.
Molecular consequence: intron variant.
Genome position (GRCh38, 1-based): chr11:47,334,019, A>G on the plus strand (T>C on the coding strand, the complement: MYBPC3 is on the minus strand). VCF-style: chr11-47334019-A-G. GRCh37 (hg19) VCF-style: chr11-47355570-A-G.
Identifiers: ClinVar variation 680895 (VCV000680895.13), dbSNP rs373248202, ClinGen allele CA221683109.

ClinVar aggregate classification (germline): Likely benign. Review status: criteria provided, multiple submitters, no conflicts (2 of 4 stars). 5 submissions from 5 submitters: Likely benign (5). Last evaluated 2026-07-14.

Conditions:
MYBPC3-related disorder. Also called: MYBPC3-related disorders; MYBPC3-related condition; MYBPC3-related disease.
Cardiomyopathy (CMYO). Also called: Cardiomyopathies. Identifiers: Orphanet 167848, MedGen C0878544, MONDO:0004994, HP:0001638. Inheritance: Various modes of inheritance.
Hypertrophic cardiomyopathy. Also called: HYPERTROPHIC MYOCARDIOPATHY. Identifiers: Orphanet 217569, MedGen C0007194, MeSH D002312, MONDO:0005045, HP:0001639.

Allele frequency attached by ClinVar (database versions not stated): gnomAD exomes 0.00001 and 0.00002; gnomAD 0.00004; TOPMed 0.00005; ESP Exome Variant Server 0.00017.
gnomAD v4.1: 15 of 1,569,472 alleles (0.00096%); highest among the groups gnomAD compares: African/African-American, 0.0068%; no homozygotes.

Submissions (5):

PreventionGenetics, part of Exact Sciences
Classification: Likely benign for MYBPC3-related condition. Last evaluated: 2026-07-14. Review status: criteria provided, single submitter. Criteria: ACMG Guidelines, 2015. Collection method: clinical testing. Allele origin: germline.
Comment: This variant is classified as likely benign based on ACMG/AMP sequence variant interpretation guidelines (Richards et al. 2015 PMID: 25741868, with internal and published modifications).

Labcorp Genetics (formerly Invitae), Labcorp
Classification: Likely benign for Hypertrophic cardiomyopathy. Last evaluated: 2025-09-08. Review status: criteria provided, single submitter. Criteria: Invitae Variant Classification Sherloc (09022015). Collection method: clinical testing. Allele origin: germline.

All of Us Research Program, National Institutes of Health
Classification: Likely benign for Hypertrophic cardiomyopathy. Last evaluated: 2023-05-08. Review status: criteria provided, single submitter. Criteria: ACMG Guidelines, 2015. Collection method: clinical testing. Allele origin: germline. Inheritance: Autosomal dominant inheritance. Observed: 2 variant alleles, 2 heterozygotes.
Comment: This study involves interpretation of variants in research participants for the purpose of population health screening. Participant phenotype was not available at the time of variant classification. Additional details can be found in publication PMID: 35346344, PMCID: PMC8962531

Color Diagnostics, LLC DBA Color Health
Classification: Likely benign for Cardiomyopathy. Last evaluated: 2022-11-10. Review status: criteria provided, single submitter. Criteria: ACMG Guidelines, 2015. Collection method: clinical testing. Allele origin: germline.

GeneDx
Classification: Likely benign. Last evaluated: 2018-03-20. Review status: criteria provided, single submitter. Criteria: GeneDx Variant Classification (06012015). Collection method: clinical testing. Allele origin: germline. Affected: yes.
Comment: This variant is considered likely benign or benign based on one or more of the following criteria: it is a conservative change, it occurs at a poorly conserved position in the protein, it is predicted to be benign by multiple in silico algorithms, and/or has population frequency not consistent with disease.